The following is an entry in ClinVar:

ClinVar aggregate classification (germline): Benign (1 of 4 stars; one submission).

Submission:

GeneDx
Classification: Benign. Last evaluated: 2017-12-22. Review status: criteria provided, single submitter. Criteria: GeneDx Variant Classification (06012015). Collection method: clinical testing. Allele origin: germline. Affected: yes.
Comment: This variant is considered likely benign or benign based on one or more of the following criteria: it is a conservative change, it occurs at a poorly conserved position in the protein, it is predicted to be benign by multiple in silico algorithms, and/or has population frequency not consistent with disease.

NM_153240.4(NPHP3):c.-77_-50del28

Genes: NPHP3 (nephrocystin 3; minus strand), NPHP3-ACAD11 (NPHP3-ACAD11 readthrough (NMD candidate); minus strand), NPHP3-AS1 (NPHP3 antisense RNA 1; plus strand), LOC129937587 (ATAC-STARR-seq lymphoblastoid silent region 14744; plus strand). Cytogenetic location: 3q22.1.
Variant type: Deletion.
Coding change: c.-77_-50del28 on transcript NM_153240.4; 77 bases upstream of the start codon through 50 bases upstream of the start codon, 28 bases deleted (TCTGCCCCACCCCGTCCCGTTCCGTTCC).
Molecular consequence: non-coding transcript variant (on NR_037804.1).
Genome position (GRCh38, 1-based): chr3:132,722,405-132,722,432, GGAACGGAACGGGACGGGGTGGGGCAGA deleted on the plus strand (TCTGCCCCACCCCGTCCCGTTCCGTTCC on the coding strand, the reverse complement: NPHP3 is on the minus strand); deleting any 28 consecutive bases within chr3:132,722,405-132,722,451 gives the same sequence; the c. name uses the placement nearest the transcript's 3' end. VCF-style (leftmost placement, unchanged base first): chr3-132722404-CGGAACGGAACGGGACGGGGTGGGGCAGA-C. GRCh37 (hg19) VCF-style: chr3-132441248-CGGAACGGAACGGGACGGGGTGGGGCAGA-C.
Other names: c.-77_-50delTCTGCCCCACCCCGTCCCGTTCCGTTCC (NM_153240.4).
Identifiers: ClinVar variation 418808 (VCV000418808.3), dbSNP rs781381515, ClinGen allele CA2622741.